The following is an entry in ClinVar:

NM_203446.3(SYNJ1):c.2113A>G (p.Ile705Val)

Gene: SYNJ1 (synaptojanin 1; minus strand). Cytogenetic location: 21q22.11.
Variant type: single nucleotide variant.
Coding change: c.2113A>G on transcript NM_203446.3 (MANE Select); coding-DNA position 2113, A replaced by G.
Protein change: p.Ile705Val; replaces isoleucine 705 with valine.
Molecular consequence: missense variant.
Genome position (GRCh38, 1-based): chr21:32,665,975, T>C on the plus strand (A>G on the coding strand, the complement: SYNJ1 is on the minus strand). VCF-style: chr21-32665975-T-C. GRCh37 (hg19) VCF-style: chr21-34038285-T-C.
Other names: c.2113A>G, p.Ile705Val (NM_001160302.2); c.2098A>G, p.Ile700Val (NM_001160306.2); c.2230A>G, p.Ile744Val (NM_003895.4); short protein forms I700V, I744V, I705V.
Identifiers: ClinVar variation 840666 (VCV000840666.8), dbSNP rs761614356, ClinGen allele CA10003745.

ClinVar aggregate classification (germline): Conflicting classifications of pathogenicity. Review status: criteria provided, conflicting classifications (1 of 4 stars). 2 submissions from 2 submitters: Uncertain significance (1); Likely benign (1). Last evaluated 2024-06-19.

Conditions:
Developmental and epileptic encephalopathy, 53. Also called: Epileptic encephalopathy, early infantile, 53. Identifiers: MedGen C4479313, MONDO:0033362, OMIM 617389.
Early-onset Parkinson disease 20. Also called: PARKINSON DISEASE 20, AUTOSOMAL RECESSIVE EARLY-ONSET. Identifiers: Orphanet 391411, MedGen C3809824, MONDO:0014233, OMIM 615530.
Inborn genetic diseases. Identifiers: MedGen C0950123, MeSH D030342.

Allele frequency attached by ClinVar (database versions not stated): TOPMed below 0.00001; ExAC 0.00001; gnomAD exomes 0.00002.
gnomAD v4.1: 35 of 1,612,274 alleles (0.0022%); highest among the groups gnomAD compares: Non-Finnish European, 0.0028%; no homozygotes.

Submissions (2):

Ambry Genetics
Classification: Likely benign for Inborn genetic diseases. Last evaluated: 2024-06-19. Review status: criteria provided, single submitter. Criteria: Ambry Variant Classification Scheme 2023. Collection method: clinical testing. Allele origin: germline.

Labcorp Genetics (formerly Invitae), Labcorp
Classification: Uncertain significance for Developmental and epileptic encephalopathy, 53; Early-onset Parkinson disease 20. Last evaluated: 2022-08-22. Review status: criteria provided, single submitter. Criteria: Invitae Variant Classification Sherloc (09022015). Collection method: clinical testing. Allele origin: germline.
Comment: This sequence change replaces isoleucine, which is neutral and non-polar, with valine, which is neutral and non-polar, at codon 744 of the SYNJ1 protein (p.Ile744Val). This variant is present in population databases (rs761614356, gnomAD 0.004%). This variant has not been reported in the literature in individuals affected with SYNJ1-related conditions. ClinVar contains an entry for this variant (Variation ID: 840666). Algorithms developed to predict the effect of missense changes on protein structure and function output the following: SIFT: "Tolerated"; PolyPhen-2: "Benign"; Align-GVGD: "Class C0". The valine amino acid residue is found in multiple mammalian species, which suggests that this missense change does not adversely affect protein function. In summary, the available evidence is currently insufficient to determine the role of this variant in disease. Therefore, it has been classified as a Variant of Uncertain Significance.